The following is an entry in ClinVar:

ClinVar aggregate classification (germline): Pathogenic. Review status: reviewed by expert panel (3 of 4 stars). 13 submissions from 13 submitters: Pathogenic (1). 12 of the submissions do not count toward it. Last evaluated 2025-07-29.

Conditions:
DYSF-related disorder. Also called: DYSF-related condition; DYSF-related disorders.
Distal myopathy with anterior tibial onset. Identifiers: Orphanet 178400, MedGen C1847532, MONDO:0011721, OMIM 606768.
Miyoshi muscular dystrophy 1 (MMD1). Identifiers: Orphanet 45448, MedGen C4551973, MONDO:0024545, OMIM 254130.
Autosomal recessive limb-girdle muscular dystrophy type 2B (LGMDR2). Also called: Limb-Girdle Muscular Dystrophy Type 2B (LGMD2B); Limb-girdle muscular dystrophy, type 2B; MUSCULAR DYSTROPHY, LIMB-GIRDLE, TYPE 3; MUSCULAR DYSTROPHY, LIMB-GIRDLE, AUTOSOMAL RECESSIVE 2. Identifiers: Orphanet 268, MedGen C1850889, MONDO:0009676, OMIM 253601.
Neuromuscular disease caused by qualitative or quantitative defects of dysferlin. Also called: Dysferlinopathy; Qualitative or quantitative defects of dysferlin. Identifiers: Orphanet 207073, MedGen C2931687, MONDO:0016145.
Autosomal recessive limb-girdle muscular dystrophy. Identifiers: Orphanet 102015, MedGen C2931907, MONDO:0015152.

Allele frequency attached by ClinVar (database versions not stated): gnomAD exomes 0.00001; TOPMed 0.00001.
gnomAD v4.1: 11 of 1,613,534 alleles (0.00068%); highest among the groups gnomAD compares: African/African-American, 0.0013%; no homozygotes.

Submissions (13):

ClinGen Limb Girdle Muscular Dystrophy Variant Curation Expert Panel, ClinGen
Classification: Pathogenic for Autosomal recessive limb-girdle muscular dystrophy. Last evaluated: 2025-07-29. Review status: reviewed by expert panel. Criteria: ClinGen LGMD VCEP ACMG Specifications DYSF V1.0.0. Collection method: curation. Allele origin: germline. Inheritance: Autosomal recessive inheritance.
Comment: The NM_003494.4: c.5668-7G>A variant in DYSF, which is also known as NM_001130987.2: c.5785-7G>A, occurs in the splice acceptor motif in intron 50. SpliceAI gives a delta score of 0.94 for loss of the canonical acceptor site and of 0.99 for gain of an alternative acceptor 2 bp upstream. RNAseq analysis has shown that this variant disrupts splicing, resulting in the use of the alternate splice acceptor site and insertion of 5 bp of the intron, producing a frameshift and introduction of premature stop codon in exon 52, p.Asp1890ValfsTer78, with nonsense-mediated decay expected (PMID: 36983702; PVS1_RNA). This variant has been reported in at least four patients with signs of LGMD, including in a homozygous state in two unrelated patients without reported familial consanguinity (1.0 pt; PMID: 32400077, LOVD Individual #00300446; PMID: 30564623, LOVD Individual #00220837) and confirmed in trans with a pathogenic variant (NM_003494.4: c.2643+1G>A, 1.0 pt, PMID: 36983702) (PM3_Strong). At least one patient with this variant and a second presumed diagnostic DYSF variant displayed progressive limb girdle muscle weakness and disease range dysferlin expression in blood monocytes, which is highly specific for DYSF-related LGMD (PMID: 36983702; PP4_Strong). The filtering allele frequency of this variant is 0.000014 in gnomAD v4.1.0 (the upper threshold of the 95% CI of 9/1111596 European (non-Finnish) exome chromosomes) , which is less than the ClinGen LGMD VCEP threshold (≤0.0001) (PM2_Supporting). In summary, this variant meets the criteria to be classified as Pathogenic for autosomal recessive limb girdle muscular dystrophy based on the ACMG/AMP criteria applied, as specified by the ClinGen LGMD VCEP (LGMD VCEP specifications version 1.0.0; 07/29/2025): PVS1_RNA, PM3_Strong, PP4_Strong, PM2_Supporting.

Labcorp Genetics (formerly Invitae), Labcorp
Classification: Pathogenic for Neuromuscular disease caused by qualitative or quantitative defects of dysferlin. Last evaluated: 2025-10-05. Review status: criteria provided, single submitter. Criteria: Invitae Variant Classification Sherloc (09022015). Collection method: clinical testing. Allele origin: germline. Not counted in ClinVar's aggregate classification.
Comment: This sequence change falls in intron 50 of the DYSF gene. It does not directly change the encoded amino acid sequence of the DYSF protein. This variant is present in population databases (rs753861836, gnomAD 0.003%). This variant has been observed in individual(s) with limb-girdle muscular dystrophy type 2B and Miyoshi muscular dystrophy type 1 (PMID: 16100712, 18853459, 19528035, 24488599). ClinVar contains an entry for this variant (Variation ID: 283474). Algorithms developed to predict the effect of sequence changes on RNA splicing suggest that this variant may disrupt the consensus splice site. For these reasons, this variant has been classified as Pathogenic.

Natera, Inc.
Classification: Pathogenic for Limb-girdle muscular dystrophy type 2B. Last evaluated: 2025-06-17. Review status: criteria provided, single submitter. Criteria: Natera Variant Classification Schema (03/2026). Collection method: clinical testing. Allele origin: germline. Not counted in ClinVar's aggregate classification.
Comment: The c.5668-7G>A variant in DYSF is an intronic variant located outside the canonical splice sites. This variant is rare in the general population with a frequency below the threshold expected for the associated phenotype(s). This variant has been observed in one or more individuals affected with the associated recessive disease, as either homozygous or compound heterozygous with a second variant (PMID: 19528035, 24488599, 27602406). Given the available evidence, this variant is classified as Pathogenic.

Blueprint Genetics
Classification: Pathogenic for DYSF-related disorders. Last evaluated: 2024-09-03. Review status: criteria provided, single submitter. Criteria: ACMG Guidelines, 2015. Collection method: clinical testing. Allele origin: germline. Affected: yes. Observed: 3 variant alleles. Not counted in ClinVar's aggregate classification.

Baylor Genetics
Classification: Pathogenic for Miyoshi muscular dystrophy 1. Last evaluated: 2024-03-27. Review status: criteria provided, single submitter. Criteria: ACMG Guidelines, 2015. Collection method: clinical testing. Allele origin: unknown. Not counted in ClinVar's aggregate classification.

Revvity Omics, Revvity
Classification: Pathogenic. Last evaluated: 2024-02-20. Review status: criteria provided, single submitter. Criteria: ACMG Guidelines, 2015. Collection method: clinical testing. Allele origin: germline. Not counted in ClinVar's aggregate classification.

Women's Health and Genetics/Laboratory Corporation of America, LabCorp
Classification: Pathogenic for Autosomal recessive limb-girdle muscular dystrophy. Last evaluated: 2023-07-11. Review status: criteria provided, single submitter. Criteria: LabCorp Variant Classification Summary - May 2015. Collection method: clinical testing. Allele origin: germline. Not counted in ClinVar's aggregate classification.
Comment: Variant summary: DYSF c.5668-7G>A alters a non-conserved nucleotide located close to a canonical splice site and therefore could affect mRNA splicing, leading to a significantly altered protein sequence. Several computational tools predict a significant impact on normal splicing: four predict the variant creates a 3' acceptor site. Additionally, three predict the variant weakens the wild-type 3' acceptor site, and one predicts the variant abolishes the wild-type 3' acceptor site. Several publications report experimental evidence supporting these computational predictions, finding that the variant results in the use of a cryptic 3' acceptor site 5 nucleotides upstream of the wild-type site, leading to a frameshift (p.Lys1889insTrpfsX56; e.g., Cagliani_2005, Kergourlay_2014). The variant allele was found at a frequency of 1.2e-05 in 251410 control chromosomes (gnomAD). The available data on variant occurrences in the general population are insufficient to allow any conclusion about variant significance. c.5668-7G>A has been reported in the literature in multiple compound heterozygous and homozygous individuals affected with Limb-Girdle Muscular Dystrophy (e.g., Cagliani_2005, Charnay_2021). These data indicate that the variant is very likely to be associated with disease. The following publications have been ascertained in the context of this evaluation (PMID: 16100712, 33927379, 25312915). Eight submitters have reported clinical-significance assessments for this variant to ClinVar after 2014. All submitters classified the variant as pathogenic (n = 7) or likely pathogenic (n = 1). Based on the evidence outlined above, the variant was classified as pathogenic.

GeneDx
Classification: Pathogenic. Last evaluated: 2023-01-03. Review status: criteria provided, single submitter. Criteria: GeneDx Variant Classification Process June 2021. Collection method: clinical testing. Allele origin: germline. Affected: yes. Not counted in ClinVar's aggregate classification.
Comment: Non-canonical splice site variant demonstrated to result in loss of function (Kergourlay et al., 2014; Izumi et al., 2020); Not observed at significant frequency in large population cohorts (gnomAD); This variant is associated with the following publications: (PMID: 16100712, 31589614, 34559919, 32400077, 25312915, 25591676, 33610434, 29794729)

Molecular Genetics, Royal Melbourne Hospital
Classification: Pathogenic for Autosomal recessive limb-girdle muscular dystrophy. Last evaluated: 2021-11-11. Review status: criteria provided, single submitter. Criteria: ACMG Guidelines, 2015. Collection method: clinical testing. Allele origin: germline. Affected: yes. Not counted in ClinVar's aggregate classification.
Comment: This sequence change in DYSF is an intronic variant located in intron 50. The highest population minor allele frequency in gnomAD v2.1 is 0.003% (1/30,614 alleles) in the South Asian population, which is consistent with a recessive condition. This variant has been detected in at least 10 individuals with dysferlinopathy. Of those individuals, two individuals were homozygous and eight were compound heterozygous for the variant and a pathogenic or likely pathogenic variant and one of those were confirmed in trans by parental testing. Almost all of these individuals underwent dysferlin expression analysis on muscle biopsies, and demonstrated deficient expression (PMID: 16100712, 18853459, 19528035, 24488599, 32400077, 33927379). The results from multiple in silico splicing predictors (SpliceAI, MaxEntScan, NNSplice) indicate that this variant may impact splicing by creating a de novo acceptor splice site in intron 50 of DYSF. This prediction is confirmed by RT-PCR and mini-gene assays. The assays demonstrated that the variant impacts splicing by leading to inclusion of 5 bp from intron 50 (r.5667_5668ins5668-5_5668-1, p.Lys1889insTrpfs*56; PMID: 16100712, 25312915, 32400077). Based on the classification scheme RMH Modified ACMG Guidelines v1.4.0, this variant is classified as PATHOGENIC. Following criteria are met: PM3_VeryStrong, PS3_Moderate, PM2_Supporting, PP3, PP4.

Center for Pediatric Genomic Medicine, Children's Mercy Hospital and Clinics
Classification: Pathogenic. Last evaluated: 2017-07-21. Review status: criteria provided, single submitter. Criteria: ACMG Guidelines, 2015. Collection method: clinical testing. Allele origin: germline. Not counted in ClinVar's aggregate classification.

Eurofins Ntd Llc (ga)
Classification: Pathogenic. Last evaluated: 2017-04-19. Review status: criteria provided, single submitter. Criteria: EGL Classification Definitions 2015. Collection method: clinical testing. Allele origin: germline. Observed: 3 variant alleles, 2 heterozygotes, 1 homozygote. Not counted in ClinVar's aggregate classification.

Juno Genomics, Hangzhou Juno Genomics, Inc
Classification: Pathogenic for Miyoshi muscular dystrophy 1; Autosomal recessive limb-girdle muscular dystrophy type 2B; Distal myopathy with anterior tibial onset. Review status: criteria provided, single submitter. Criteria: ACMG Guidelines, 2015. Collection method: clinical testing. Allele origin: germline. Affected: yes. Not counted in ClinVar's aggregate classification.
Comment: Absent from controls (or at extremely low frequency if recessive) in Genome Aggregation Database.;Null variant in a gene where loss of function (LOF) is a known mechanism of disease.;For recessive disorders, detected in trans with a pathogenic variant.;Patient's phenotype or family history is highly specific for a disease with a single genetic etiology.

Counsyl
Classification: Likely pathogenic for Autosomal recessive limb-girdle muscular dystrophy type 2B. Last evaluated: 2017-03-21. Review status: no assertion criteria provided. Collection method: clinical testing. Allele origin: unknown. Not counted in ClinVar's aggregate classification.

Literature cited by the submitters: PubMed 16100712 (cited by 5 submitters); PubMed 18853459 (cited by 4 submitters); PubMed 19528035 (cited by 5 submitters); PubMed 24488599 (cited by 4 submitters); PubMed 27602406 (cited by Natera, Inc.); PubMed 25312915 (cited by 4 submitters); PubMed 33927379 (cited by Women's Health and Genetics/Laboratory Corporation of America, LabCorp and Molecular Genetics, Royal Melbourne Hospital); PubMed 32400077 (cited by Molecular Genetics, Royal Melbourne Hospital).

NM_001130987.2(DYSF):c.5785-7G>A

Gene: DYSF (dysferlin; plus strand). Cytogenetic location: 2p13.2.
Variant type: single nucleotide variant.
Coding change: c.5785-7G>A on transcript NM_001130987.2 (MANE Select); 7 bases into the intron before coding-DNA position 5785, G replaced by A.
Molecular consequence: intron variant.
Genome position (GRCh38, 1-based): chr2:71,674,190, G>A. VCF-style: chr2-71674190-G-A. GRCh37 (hg19) VCF-style: chr2-71901320-G-A.
Other names: c.5761-7G>A (NM_001130979.2); c.5782-7G>A (NM_001130981.2); c.5719-7G>A (NM_001130980.2); c.5731-7G>A (NM_001130978.2); c.5668-7G>A (NM_003494.4); c.5689-7G>A (NM_001130977.2); c.5626-7G>A (NM_001130976.2); c.5764-7G>A (NM_001130982.2); and 5 more.
Identifiers: ClinVar variation 283474 (VCV000283474.31), dbSNP rs753861836, ClinGen allele CA1707510.